The following is an entry in ClinVar:

ClinVar aggregate classification (germline): Benign/Likely benign. Review status: criteria provided, multiple submitters, no conflicts (2 of 4 stars). 5 submissions from 5 submitters: Benign (1); Likely benign (4). Last evaluated 2026-01-28.

Conditions:
RYR1-related disorder. Also called: RYR1-related condition; RYR1-related disorders. Identifiers: MedGen CN239331.
Central core myopathy (CMYO1A). Also called: CONGENITAL MYOPATHY 1A, AUTOSOMAL DOMINANT, WITH SUSCEPTIBILITY TO MALIGNANT HYPERTHERMIA; Central core disease; Myopathy, central fibrillar. Identifiers: Orphanet 597, MedGen C5830701, MONDO:0007294, OMIM 117000.
Congenital myopathy with fiber type disproportion. Also called: Congenital fiber-type disproportion myopathy; Congenital fiber-type disproportion. Identifiers: Orphanet 2020, MedGen C0546264, MONDO:0009711. Inheritance: all.
Congenital multicore myopathy with external ophthalmoplegia (CMYO1B). Also called: Congenital myopathy 1B, autosomal recessive; Minicore myopathy; MULTICORE MYOPATHY; Minicore myopathy with external ophthalmoplegia; MULTIMINICORE DISEASE WITH EXTERNAL OPHTHALMOPLEGIA. Identifiers: Orphanet 598, Orphanet 98905, MedGen C1850674, MONDO:0009712, OMIM 255320, HP:0003789.
Malignant hyperthermia, susceptibility to, 1 (MHS1). Also called: RYR1-Related Malignant Hyperthermia Susceptibility; Anesthesia related hyperthermia; Malignant hyperpyrexia; Fulminating hyperpyrexia; Pharmacogenic myopathy; Malignant hyperthermia suceptibility 1. Identifiers: Orphanet 423, MedGen C2930980, MONDO:0007783, OMIM 145600.
King Denborough syndrome (KDS). Identifiers: MedGen C1840365, MONDO:0020485, OMIM 619542.

Allele frequency attached by ClinVar (database versions not stated): 1000 Genomes Project 30x 0.00047; 1000 Genomes Project 0.00060; TOPMed 0.00082; ESP Exome Variant Server 0.00100; ExAC 0.00252; gnomAD exomes 0.00269; gnomAD 0.00273 and 0.00289.
gnomAD v4.1: 2,739 of 1,604,706 alleles (0.17%); highest among the groups gnomAD compares: Non-Finnish European, 0.13%; 19 homozygotes.

Submissions (5):

Labcorp Genetics (formerly Invitae), Labcorp
Classification: Benign for RYR1-related disorder. Last evaluated: 2026-01-28. Review status: criteria provided, single submitter. Criteria: Invitae Variant Classification Sherloc (09022015). Collection method: clinical testing. Allele origin: germline.

Blueprint Genetics
Classification: Likely benign. Last evaluated: 2024-11-21. Review status: criteria provided, single submitter. Criteria: ACMG Guidelines, 2015. Collection method: clinical testing. Allele origin: germline.

Fulgent Genetics
Classification: Likely benign for Central core myopathy; Malignant hyperthermia, susceptibility to, 1; Congenital myopathy 4A, autosomal dominant; Congenital multicore myopathy with external ophthalmoplegia; King Denborough syndrome. Last evaluated: 2022-04-14. Review status: criteria provided, single submitter. Criteria: ACMG Guidelines, 2015. Collection method: clinical testing. Allele origin: unknown.

GeneDx
Classification: Likely benign. Last evaluated: 2017-08-29. Review status: criteria provided, single submitter. Criteria: GeneDx Variant Classification (06012015). Collection method: clinical testing. Allele origin: germline. Affected: yes.
Comment: This variant is considered likely benign or benign based on one or more of the following criteria: it is a conservative change, it occurs at a poorly conserved position in the protein, it is predicted to be benign by multiple in silico algorithms, and/or has population frequency not consistent with disease.

PreventionGenetics, part of Exact Sciences
Classification: Likely benign. Review status: criteria provided, single submitter. Criteria: ACMG Guidelines, 2015. Collection method: clinical testing. Allele origin: germline.

NM_000540.3(RYR1):c.425-19A>G

Gene: RYR1 (ryanodine receptor 1; plus strand). Cytogenetic location: 19q13.2.
Variant type: single nucleotide variant.
Coding change: c.425-19A>G on transcript NM_000540.3 (MANE Select); 19 bases into the intron before coding-DNA position 425, A replaced by G.
Molecular consequence: intron variant.
Genome position (GRCh38, 1-based): chr19:38,444,130, A>G. VCF-style: chr19-38444130-A-G. GRCh37 (hg19) VCF-style: chr19-38934770-A-G.
Other names: c.425-19A>G (NM_001042723.2).
Identifiers: ClinVar variation 256504 (VCV000256504.13), dbSNP rs193169917, ClinGen allele CA065746.